The following is an entry in ClinVar:

NM_002471.4(MYH6):c.4665C>A (p.His1555Gln)

Genes: MYH6 (myosin heavy chain 6; minus strand), LOC126861896 (BRD4-independent group 4 enhancer GRCh37_chr14:23854904-23856103; plus strand). Cytogenetic location: 14q11.2.
Variant type: single nucleotide variant.
Coding change: c.4665C>A on transcript NM_002471.4 (MANE Select); coding-DNA position 4665, C replaced by A.
Protein change: p.His1555Gln; replaces histidine 1555 with glutamine.
Molecular consequence: missense variant.
Genome position (GRCh38, 1-based): chr14:23,386,609, G>T on the plus strand (C>A on the coding strand, the complement: MYH6 is on the minus strand). VCF-style: chr14-23386609-G-T. GRCh37 (hg19) VCF-style: chr14-23855818-G-T.
Other names: short protein forms H1555Q.
Identifiers: ClinVar variation 452694 (VCV000452694.9), dbSNP rs373888186, ClinGen allele CA7114673.
Genomic context (GRCh38, chr14:23,386,609, plus strand): 5'-CTCGATCTCTGCCTTGATCTGGTTGAACTCTAGCTGGGCCCGGAGGATCTTGCCCTCCTC[G>T]TGCTCCAGGGAGGCCTGGGAAGGGGTGGGGCGAGGGCGGGCAGACAGGGCACAGGGCAGG-3'
Protein context (NP_002462.2, residues 1545-1565): ALEEAEASLE[His1555Gln]EEGKILRAQL

ClinVar aggregate classification (germline): Uncertain significance. Review status: criteria provided, multiple submitters, no conflicts (2 of 4 stars). 4 submissions from 4 submitters: Uncertain significance (4). Last evaluated 2025-05-23.

Conditions:
Cardiovascular phenotype. Identifiers: MedGen CN230736.
Cardiomyopathy (CMYO). Also called: Cardiomyopathies. Identifiers: Orphanet 167848, MedGen C0878544, MONDO:0004994, HP:0001638. Inheritance: Various modes of inheritance.
Hypertrophic cardiomyopathy 14. Identifiers: MedGen C2750467, MONDO:0013197, OMIM 613251.

gnomAD v4.1: 8 of 1,610,258 alleles (0.0005%); highest among the groups gnomAD compares: Non-Finnish European, 0.00068%; no homozygotes.

Submissions (4):

Ambry Genetics
Classification: Uncertain significance for Cardiovascular phenotype. Last evaluated: 2025-05-23. Review status: criteria provided, single submitter. Criteria: Ambry Variant Classification Scheme 2023. Collection method: clinical testing. Allele origin: germline.

Labcorp Genetics (formerly Invitae), Labcorp
Classification: Uncertain significance for Hypertrophic cardiomyopathy 14. Last evaluated: 2025-02-18. Review status: criteria provided, single submitter. Criteria: Invitae Variant Classification Sherloc (09022015). Collection method: clinical testing. Allele origin: germline.
Comment: This sequence change replaces histidine, which is basic and polar, with glutamine, which is neutral and polar, at codon 1555 of the MYH6 protein (p.His1555Gln). This variant is present in population databases (rs373888186, gnomAD 0.0009%). This variant has not been reported in the literature in individuals affected with MYH6-related conditions. ClinVar contains an entry for this variant (Variation ID: 452694). Invitae Evidence Modeling of protein sequence and biophysical properties (such as structural, functional, and spatial information, amino acid conservation, physicochemical variation, residue mobility, and thermodynamic stability) indicates that this missense variant is not expected to disrupt MYH6 protein function with a negative predictive value of 80%. In summary, the available evidence is currently insufficient to determine the role of this variant in disease. Therefore, it has been classified as a Variant of Uncertain Significance.

CHEO Genetics Diagnostic Laboratory, Children's Hospital of Eastern Ontario
Classification: Uncertain significance for Cardiomyopathy. Last evaluated: 2020-03-18. Review status: criteria provided, single submitter. Criteria: ACMG Guidelines, 2015. Collection method: clinical testing. Allele origin: germline.

GeneDx
Classification: Uncertain significance. Last evaluated: 2017-10-10. Review status: criteria provided, single submitter. Criteria: GeneDx Variant Classification (06012015). Collection method: clinical testing. Allele origin: germline. Affected: yes.
Comment: A variant of uncertain significance has been identified in the MYH6 gene. The H1555Q variant has not been published as pathogenic or been reported as benign to our knowledge. The H1555Q variant is not observed at a significant frequency in large population cohorts (Lek et al., 2016). Additionally, H1555Q variant is a semi-conservative amino acid substitution, which may impact secondary protein structure as these residues differ in some properties, and this substitution occurs at a position that is conserved across species. Furthermore, in silico analysis predicts this variant is probably damaging to protein structure/function.